The following is an entry in ClinVar:

NM_000426.4(LAMA2):c.2054T>G (p.Leu685Arg)

Gene: LAMA2 (laminin subunit alpha 2; plus strand). Cytogenetic location: 6q22.33.
Variant type: single nucleotide variant.
Coding change: c.2054T>G on transcript NM_000426.4 (MANE Select); coding-DNA position 2054, T replaced by G.
Protein change: p.Leu685Arg; replaces leucine 685 with arginine.
Molecular consequence: missense variant.
Genome position (GRCh38, 1-based): chr6:129,252,253, T>G. VCF-style: chr6-129252253-T-G. GRCh37 (hg19) VCF-style: chr6-129573398-T-G.
Other names: p.Leu685Arg; c.2054T>G (NM_000426.3); c.2054T>G, p.Leu685Arg (NM_001079823.2); short protein forms L685R.
Identifiers: ClinVar variation 996549 (VCV000996549.6), dbSNP rs746641607, ClinGen allele CA3992807.
Genomic context (GRCh38, chr6:129,252,253, plus strand): 5'-CACATTTTCCAGTCCGTAGAAAGGAATTTATGACAGTGCTTGCGAATTTGAAGAGAGTCC[T>G]CCTACAAATCACATACAGCTTTGGGATGGATGCCATCTTCAGGTAAAATCAAGAACTGCA-3'
Protein context (NP_000417.3, residues 675-695): MTVLANLKRV[Leu685Arg]LQITYSFGMD

ClinVar aggregate classification (germline): Uncertain significance. Review status: criteria provided, multiple submitters, no conflicts (2 of 4 stars). 3 submissions from 3 submitters: Uncertain significance (3). Last evaluated 2025-02-01.

Conditions:
Merosin deficient congenital muscular dystrophy (MDC1A). Also called: Congenital Muscular Dystrophy Type 1A (MDC1A); Congenital merosin-deficient muscular dystrophy 1A. Identifiers: Orphanet 258, MedGen C1263858, MONDO:0011925, OMIM 607855.
LAMA2-related muscular dystrophy (LAMA2-RD). Also called: Laminin alpha 2-related dystrophy. Identifiers: MedGen C5679788, MONDO:0100228.

Allele frequency attached by ClinVar (database versions not stated): ExAC 0.00001; gnomAD exomes 0.00002 and 0.00004; gnomAD 0.00007; TOPMed 0.00007.
gnomAD v4.1: 70 of 1,613,866 alleles (0.0043%); highest among the groups gnomAD compares: East Asian, 0.011%; no homozygotes.

Submissions (3):

Mayo Clinic Laboratories, Mayo Clinic
Classification: Uncertain significance. Last evaluated: 2025-02-01. Review status: criteria provided, single submitter. Criteria: ACMG Guidelines, 2015. Collection method: clinical testing. Allele origin: germline. Observed: 1 variant allele.
Comment: PM2_supporting

Labcorp Genetics (formerly Invitae), Labcorp
Classification: Uncertain significance for LAMA2-related muscular dystrophy. Last evaluated: 2022-07-19. Review status: criteria provided, single submitter. Criteria: Invitae Variant Classification Sherloc (09022015). Collection method: clinical testing. Allele origin: germline.
Comment: This sequence change replaces leucine, which is neutral and non-polar, with arginine, which is basic and polar, at codon 685 of the LAMA2 protein (p.Leu685Arg). This variant is present in population databases (rs746641607, gnomAD 0.006%). This variant has not been reported in the literature in individuals affected with LAMA2-related conditions. ClinVar contains an entry for this variant (Variation ID: 996549). Advanced modeling of protein sequence and biophysical properties (such as structural, functional, and spatial information, amino acid conservation, physicochemical variation, residue mobility, and thermodynamic stability) performed at Invitae indicates that this missense variant is not expected to disrupt LAMA2 protein function. In summary, the available evidence is currently insufficient to determine the role of this variant in disease. Therefore, it has been classified as a Variant of Uncertain Significance.

Kasturba Medical College, Manipal, Kasturba Medical College, Manipal, Manipal Academy of Higher Education, Manipal, India
Classification: Uncertain significance for Merosin deficient congenital muscular dystrophy. Review status: criteria provided, single submitter. Criteria: ACMG Guidelines, 2015. Collection method: clinical testing. Allele origin: inherited. Inheritance: Autosomal recessive inheritance. Affected: yes.

Literature cited by the submitters: PubMed 34302356 (cited by Mayo Clinic Laboratories, Mayo Clinic).